The following is an entry in ClinVar:

NM_000821.7(GGCX):c.1378G>A (p.Val460Ile)

Gene: GGCX (gamma-glutamyl carboxylase; minus strand). Cytogenetic location: 2p11.2.
Variant type: single nucleotide variant.
Coding change: c.1378G>A on transcript NM_000821.7 (MANE Select); coding-DNA position 1378, G replaced by A.
Protein change: p.Val460Ile; replaces valine 460 with isoleucine.
Molecular consequence: missense variant.
Genome position (GRCh38, 1-based): chr2:85,552,477, C>T on the plus strand (G>A on the coding strand, the complement: GGCX is on the minus strand). VCF-style: chr2-85552477-C-T. GRCh37 (hg19) VCF-style: chr2-85779600-C-T.
Other names: c.1207G>A, p.Val403Ile (NM_001142269.4); short protein forms V403I, V460I.
Identifiers: ClinVar variation 896481 (VCV000896481.8), dbSNP rs149078813, ClinGen allele CA1741832.

ClinVar aggregate classification (germline): Likely benign. Review status: criteria provided, multiple submitters, no conflicts (2 of 4 stars). 2 submissions from 2 submitters: Likely benign (2). Last evaluated 2026-01-13.

Conditions:
Vitamin K-dependent clotting factors, combined deficiency of, type 1. Also called: FACTORS II, VII, IX, AND X, COMBINED DEFICIENCY OF; FAMILIAL MULTIPLE COAGULATION FACTOR DEFICIENCY III; FMFD III; GLUTAMIC ACID, DEFICIENT GAMMA-CARBOXYLATION OF; MULTIPLE COAGULATION FACTOR DEFICIENCY III; VITAMIN K-DEPENDENT COAGULATION DEFECT. Identifiers: Orphanet 98434, MedGen C1848534, MONDO:0010187, OMIM 277450.

Allele frequency attached by ClinVar (database versions not stated): gnomAD 0.00006 and 0.00012; gnomAD exomes 0.00011 and 0.00032; TOPMed 0.00011; ExAC 0.00035; 1000 Genomes Project 0.00100; 1000 Genomes Project 30x 0.00109.
gnomAD v4.1: 180 of 1,613,860 alleles (0.011%); highest among the groups gnomAD compares: East Asian, 0.38%; 1 homozygote.

Submissions (2):

Labcorp Genetics (formerly Invitae), Labcorp
Classification: Likely benign. Last evaluated: 2026-01-13. Review status: criteria provided, single submitter. Criteria: Invitae Variant Classification Sherloc (09022015). Collection method: clinical testing. Allele origin: germline.

Illumina Laboratory Services, Illumina
Classification: Likely benign for Vitamin K-dependent clotting factors, combined deficiency of, type 1. Last evaluated: 2018-01-12. Review status: criteria provided, single submitter. Criteria: ICSL Variant Classification Criteria 13 December 2019. Collection method: clinical testing. Allele origin: germline.
Comment: This variant was observed in the ICSL laboratory as part of a predisposition screen in an ostensibly healthy population. It had not been previously curated by ICSL or reported in the Human Gene Mutation Database (HGMD: prior to June 1st, 2018), and was therefore a candidate for classification through an automated scoring system. Utilizing variant allele frequency, disease prevalence and penetrance estimates, and inheritance mode, an automated score was calculated to assess if this variant is too frequent to cause the disease. Based on the score and internal cut-off values, a variant classified as likely benign is not then subjected to further curation. The score for this variant resulted in a classification of likely benign for this disease.